The following is an entry in ClinVar:

NM_001164664.2(MAST4):c.284_286dup (p.Leu95_Pro96insLeu)

Genes: MAST4 (microtubule associated serine/threonine kinase family member 4; plus strand), LOC129993989 (ATAC-STARR-seq lymphoblastoid silent region 16065; plus strand). Cytogenetic location: 5q12.3.
Variant type: Duplication.
Coding change: c.284_286dup on transcript NM_001164664.2 (MANE Select); coding-DNA positions 284 to 286, 3 bases duplicated (TGC; older notation c.284_286dupTGC).
Protein change: p.Leu95_Pro96insLeu.
Molecular consequence: inframe insertion.
Genome position (GRCh38, 1-based): chr5:66,596,939-66,596,941, TGC duplicated; duplicating any 3 consecutive bases within chr5:66,596,937-66,596,941 gives the same sequence; the c. name uses the placement nearest the transcript's 3' end. VCF-style (leftmost placement, unchanged base first): chr5-66596936-C-CGCT. GRCh37 (hg19) VCF-style: chr5-65892764-C-CGCT.
Other names: c.284_286dup, p.Leu95_Pro96insLeu (NM_001290228.2, NM_001393524.1, NM_001393525.1 and 1 more transcripts).
Identifiers: ClinVar variation 4533408 (VCV004533408.6).

ClinVar aggregate classification (germline): Benign (1 of 4 stars; one submission).

Submission:

CeGaT Center for Human Genetics Tuebingen
Classification: Benign. Last evaluated: 2026-09-01. Review status: criteria provided, single submitter. Criteria: CeGaT Center For Human Genetics Tuebingen Variant Classification Criteria Version 2. Collection method: clinical testing. Allele origin: germline. Affected: yes. Observed: 2 variant alleles.
Comment: MAST4: PM4:Supporting, BS1, BS2